The following is an entry in ClinVar:

NM_004523.4(KIF11):c.2246G>C (p.Ser749Thr)

Gene: KIF11 (kinesin family member 11; plus strand). Cytogenetic location: 10q23.33.
Variant type: single nucleotide variant.
Coding change: c.2246G>C on transcript NM_004523.4 (MANE Select); coding-DNA position 2246, G replaced by C.
Protein change: p.Ser749Thr; replaces serine 749 with threonine.
Molecular consequence: missense variant.
Genome position (GRCh38, 1-based): chr10:92,639,879, G>C. VCF-style: chr10-92639879-G-C. GRCh37 (hg19) VCF-style: chr10-94399636-G-C.
Other names: short protein forms S749T.
Identifiers: ClinVar variation 4974604 (VCV004974604.1).

ClinVar aggregate classification (germline): Uncertain significance (1 of 4 stars; one submission).

Conditions:
Microcephaly with or without chorioretinopathy, lymphedema, or impaired intellectual development. Also called: MICROCEPHALY, LYMPHEDEMA, CHORIORETINAL DYSPLASIA SYNDROME; Microcephaly lymphedema chorioretinal dysplasia; MICROCEPHALY AND CHORIORETINOPATHY WITH OR WITHOUT MENTAL RETARDATION, AUTOSOMAL DOMINANT; Microcephaly with or without chorioretinopathy, lymphedema, or mental retardation; Microcephaly with or without chorioretinopathy, lymphedema, or intellectual disability. Identifiers: Orphanet 2526, MedGen C1835265, MONDO:0007918, OMIM 152950.

gnomAD v4.1: 1 of 1,595,490 alleles (0.000063%); highest among the groups gnomAD compares: East Asian, 0.0022%; no homozygotes.

Submission:

Clinical Genomics Laboratory, Washington University in St. Louis
Classification: Uncertain significance for Microcephaly with or without chorioretinopathy, lymphedema, or impaired intellectual development. Last evaluated: 2025-10-15. Review status: criteria provided, single submitter. Criteria: ACMG Guidelines, 2015. Collection method: clinical testing. Allele origin: germline.
Comment: A KIF11 c.2246G>C p.Ser749Thr variant was identified at an allelic fraction consistent with somatic origin. This variant, to our knowledge, has not been reported in the medical literature. It is only observed on 1/1,595,490 alleles in the general population (gnomAD v4.1.0), indicating it is not a common variant. Computational predictors suggest that the variant does not impact KIF11 function. Due to limited information, and based on internally developed protocol informed by the ACMG/AMP guidelines for variant interpretation and gene-specific practices from the ClinGen Criteria Specification Registry (Leon-Quintero FZ et al., PMID: 39434542), the clinical significance of the KIF11 c.2246G>C p.Ser749Thr variant is classified as a variant of uncertain significance.